The following is an entry in ClinVar:

ClinVar aggregate classification (germline): Uncertain significance (1 of 4 stars; one submission).

Submission:

GeneDx
Classification: Uncertain significance. Last evaluated: 2022-10-19. Review status: criteria provided, single submitter. Criteria: GeneDx Variant Classification Process June 2021. Collection method: clinical testing. Allele origin: germline. Affected: yes.
Comment: Not observed at significant frequency in large population cohorts (gnomAD); In silico analysis supports that this missense variant has a deleterious effect on protein structure/function; Has not been previously published as pathogenic or benign to our knowledge

NM_016120.4(RLIM):c.191T>G (p.Leu64Trp)

Gene: RLIM (ring finger protein, LIM domain interacting; minus strand). Cytogenetic location: Xq13.2.
Variant type: single nucleotide variant.
Coding change: c.191T>G on transcript NM_016120.4 (MANE Select); coding-DNA position 191, T replaced by G.
Protein change: p.Leu64Trp; replaces leucine 64 with tryptophan.
Molecular consequence: missense variant.
Genome position (GRCh38, 1-based): chrX:74,594,368, A>C on the plus strand (T>G on the coding strand, the complement: RLIM is on the minus strand). VCF-style: chrX-74594368-A-C. GRCh37 (hg19) VCF-style: chrX-73814203-A-C.
Other names: c.191T>G, p.Leu64Trp (NM_183353.3); short protein forms L64W.
Identifiers: ClinVar variation 2499953 (VCV002499953.1), dbSNP rs2519836190, ClinGen allele CA413663198.